The following is an entry in ClinVar:

ClinVar aggregate classification (germline): Uncertain significance (1 of 4 stars; one submission).

Conditions:
NCOA1-related disorder. Also called: NCOA1-related condition.

Allele frequency attached by ClinVar (database versions not stated): gnomAD 0.00001; gnomAD exomes 0.00001; ExAC 0.00002.
gnomAD v4.1: 9 of 1,614,156 alleles (0.00056%); highest among the groups gnomAD compares: South Asian, 0.0099%; no homozygotes.

Submission:

PreventionGenetics, part of Exact Sciences
Classification: Uncertain significance for NCOA1-related condition. Last evaluated: 2022-08-27. Review status: criteria provided, single submitter. Criteria: ACMG Guidelines, 2015. Collection method: clinical testing. Allele origin: germline.
Comment: The NCOA1 c.2464G>A variant is predicted to result in the amino acid substitution p.Glu822Lys. To our knowledge, this variant has not been reported in the literature. This variant is reported in 0.013% of alleles in individuals of South Asian descent in gnomAD. At this time, the clinical significance of this variant is uncertain due to the absence of conclusive functional and genetic evidence.

NM_003743.5(NCOA1):c.2464G>A (p.Glu822Lys)

Gene: NCOA1 (nuclear receptor coactivator 1; plus strand). Cytogenetic location: 2p23.3.
Variant type: single nucleotide variant.
Coding change: c.2464G>A on transcript NM_003743.5 (MANE Select); coding-DNA position 2464, G replaced by A.
Protein change: p.Glu822Lys; replaces glutamic acid 822 with lysine.
Molecular consequence: missense variant.
Genome position (GRCh38, 1-based): chr2:24,710,976, G>A. VCF-style: chr2-24710976-G-A. GRCh37 (hg19) VCF-style: chr2-24933845-G-A.
Other names: c.2464G>A, p.Glu822Lys (NM_001362950.1, NM_001362952.1, NM_001362954.1 and 3 more transcripts); short protein forms E822K.
Identifiers: ClinVar variation 2634545 (VCV002634545.1), dbSNP rs762795122, ClinGen allele CA1552411.